The following is an entry in ClinVar:

NM_013275.6(ANKRD11):c.520C>T (p.Arg174Ter)

Gene: ANKRD11 (ankyrin repeat domain containing 11; minus strand). Cytogenetic location: 16q24.3.
Variant type: single nucleotide variant.
Coding change: c.520C>T on transcript NM_013275.6 (MANE Select); coding-DNA position 520, C replaced by T.
Protein change: p.Arg174Ter; replaces arginine 174 with a stop codon.
Molecular consequence: nonsense. On other transcripts: non-coding transcript variant (1).
Genome position (GRCh38, 1-based): chr16:89,290,706, G>A on the plus strand (C>T on the coding strand, the complement: ANKRD11 is on the minus strand). VCF-style: chr16-89290706-G-A. GRCh37 (hg19) VCF-style: chr16-89357114-G-A.
Other names: c.520C>T, p.Arg174Ter (NM_001256182.2, NM_001256183.2); short protein forms R174*.
Identifiers: ClinVar variation 4074364 (VCV004074364.1).

ClinVar aggregate classification (germline): Pathogenic (1 of 4 stars; one submission).

gnomAD v4.1: 1 of 1,613,406 alleles (0.000062%); highest among the groups gnomAD compares: Non-Finnish European, 0.000085%; no homozygotes.

Submission:

GeneDx
Classification: Pathogenic. Last evaluated: 2025-02-06. Review status: criteria provided, single submitter. Criteria: GeneDx Variant Classification Process June 2021. Collection method: clinical testing. Allele origin: germline. Affected: yes.
Comment: Nonsense variant predicted to result in protein truncation or nonsense mediated decay in a gene for which loss of function is a known mechanism of disease; Not observed at significant frequency in large population cohorts (gnomAD); This variant is associated with the following publications: (PMID: 36446582)